The following is an entry in ClinVar:

NM_000038.6(APC):c.5531A>G (p.His1844Arg)

Gene: APC (APC regulator of Wnt signaling pathway; plus strand). Cytogenetic location: 5q22.2.
Variant type: single nucleotide variant.
Coding change: c.5531A>G on transcript NM_000038.6 (MANE Select); coding-DNA position 5531, A replaced by G.
Protein change: p.His1844Arg; replaces histidine 1844 with arginine.
Molecular consequence: missense variant. On other transcripts: non-coding transcript variant (2).
Genome position (GRCh38, 1-based): chr5:112,841,125, A>G. VCF-style: chr5-112841125-A-G. GRCh37 (hg19) VCF-style: chr5-112176822-A-G.
Other names: c.5153A>G, p.His1718Arg (NM_001354904.2); c.5051A>G, p.His1684Arg (NM_001354905.2); c.4682A>G, p.His1561Arg (NM_001354906.2, NM_001407470.1); c.5615A>G, p.His1872Arg (NM_001407446.1); c.5585A>G, p.His1862Arg (NM_001407447.1, NM_001407448.1, NM_001407449.1 and 1 more transcripts); c.5531A>G, p.His1844Arg (NM_001407450.1, NM_001127510.3, NM_001354895.2); c.5510A>G, p.His1837Arg (NM_001407451.1); c.5354A>G, p.His1785Arg (NM_001354901.2, NM_001407453.1); and 11 more; short protein forms H1715R, H1718R, H1862R, H1460R, H1837R, H1872R, H1561R, H1803R.
Identifiers: ClinVar variation 4843509 (VCV004843509.1).
Genomic context (GRCh38, chr5:112,841,125, plus strand): 5'-ATGATAAGCTCCCAAATAATGAAGATAGAGTCAGAGGAAGTTTTGCTTTTGATTCACCTC[A>G]TCATTACACGCCTATTGAAGGAACTCCTTACTGTTTTTCACGAAATGATTCTTTGAGTTC-3'
Protein context (NP_000029.2, residues 1834-1854): VRGSFAFDSP[His1844Arg]HYTPIEGTPY

ClinVar aggregate classification (germline): Uncertain significance (1 of 4 stars; one submission).

Conditions:
Hereditary cancer-predisposing syndrome. Also called: Neoplastic Syndromes, Hereditary; Tumor predisposition; Hereditary Cancer Syndrome; Hereditary neoplastic syndrome. Identifiers: Orphanet 140162, MedGen C0027672, MeSH D009386, MONDO:0015356.

Submission:

Ambry Genetics
Classification: Uncertain significance for Hereditary cancer-predisposing syndrome. Last evaluated: 2025-12-16. Review status: criteria provided, single submitter. Criteria: Ambry Variant Classification Scheme 2023. Collection method: clinical testing. Allele origin: germline.
Comment: The p.H1844R variant (also known as c.5531A>G), located in coding exon 15 of the APC gene, results from an A to G substitution at nucleotide position 5531. The histidine at codon 1844 is replaced by arginine, an amino acid with highly similar properties. This amino acid position is conserved. In addition, in silico predictors for this gene do not accurately predict pathogenicity. Based on the available evidence, the clinical significance of this variant remains unclear.